The following is an entry in ClinVar:

NM_145167.3(PIGM):c.939C>A (p.Leu313=)

Gene: PIGM (phosphatidylinositol glycan anchor biosynthesis class M; minus strand). Cytogenetic location: 1q23.2.
Variant type: single nucleotide variant.
Coding change: c.939C>A on transcript NM_145167.3 (MANE Select); coding-DNA position 939, C replaced by A.
Protein change: p.Leu313=; no amino-acid change (leucine 313 retained).
Molecular consequence: synonymous variant.
Genome position (GRCh38, 1-based): chr1:160,030,801, G>T on the plus strand (C>A on the coding strand, the complement: PIGM is on the minus strand). VCF-style: chr1-160030801-G-T. GRCh37 (hg19) VCF-style: chr1-160000591-G-T.
Identifiers: ClinVar variation 4753781 (VCV004753781.3).

ClinVar aggregate classification (germline): Conflicting classifications of pathogenicity. Review status: criteria provided, conflicting classifications (1 of 4 stars). 2 submissions from 2 submitters: Uncertain significance (1); Likely benign (1). Last evaluated 2026-04-01.

Conditions:
Hypercoagulability syndrome due to glycosylphosphatidylinositol deficiency (GPIBD1). Also called: GLYCOSYLPHOSPHATIDYLINOSITOL BIOSYNTHESIS DEFECT 1. Identifiers: Orphanet 83639, MedGen C5201145, MONDO:0012465, OMIM 610293.

gnomAD v4.1: 68 of 1,614,010 alleles (0.0042%); highest among the groups gnomAD compares: Non-Finnish European, 0.0053%; no homozygotes.

Submissions (2):

CeGaT Center for Human Genetics Tuebingen
Classification: Likely benign. Last evaluated: 2026-04-01. Review status: criteria provided, single submitter. Criteria: CeGaT Center For Human Genetics Tuebingen Variant Classification Criteria Version 2. Collection method: clinical testing. Allele origin: germline. Affected: yes. Observed: 1 variant allele.
Comment: PIGM: BP4, BP7

Labcorp Genetics (formerly Invitae), Labcorp
Classification: Uncertain significance for Hypercoagulability syndrome due to glycosylphosphatidylinositol deficiency. Last evaluated: 2025-08-31. Review status: criteria provided, single submitter. Criteria: Invitae Variant Classification Sherloc (09022015). Collection method: clinical testing. Allele origin: germline.
Comment: This sequence change affects codon 313 of the PIGM mRNA. It is a 'silent' change, meaning that it does not change the encoded amino acid sequence of the PIGM protein. This variant is present in population databases (rs758598643, gnomAD 0.004%). This variant has not been reported in the literature in individuals affected with PIGM-related conditions. In summary, the available evidence is currently insufficient to determine the role of this variant in disease. Therefore, it has been classified as a Variant of Uncertain Significance.